The following is an entry in ClinVar:

ClinVar aggregate classification (germline): Likely benign (1 of 4 stars; one submission).

gnomAD v4.1: 12 of 1,563,312 alleles (0.00077%); highest among the groups gnomAD compares: South Asian, 0.0024%; no homozygotes.

Submission:

CeGaT Center for Human Genetics Tuebingen
Classification: Likely benign. Last evaluated: 2025-10-01. Review status: criteria provided, single submitter. Criteria: CeGaT Center For Human Genetics Tuebingen Variant Classification Criteria Version 2. Collection method: clinical testing. Allele origin: germline. Affected: yes. Observed: 1 variant allele.
Comment: YEATS2: BP4, BP7

NM_018023.5(YEATS2):c.4032C>T (p.Pro1344=)

Genes: YEATS2 (YEATS domain containing 2; plus strand), YEATS2-AS1 (YEATS2 antisense RNA 1; minus strand). Cytogenetic location: 3q27.1.
Variant type: single nucleotide variant.
Coding change: c.4032C>T on transcript NM_018023.5 (MANE Select); coding-DNA position 4032, C replaced by T.
Protein change: p.Pro1344=; no amino-acid change (proline 1344 retained).
Molecular consequence: synonymous variant. On other transcripts: non-coding transcript variant (1).
Genome position (GRCh38, 1-based): chr3:183,808,050, C>T. VCF-style: chr3-183808050-C-T. GRCh37 (hg19) VCF-style: chr3-183525838-C-T.
Other names: c.4032C>T, p.Pro1344= (NM_001351369.2); c.4035C>T, p.Pro1345= (NM_001351370.2).
Identifiers: ClinVar variation 4533896 (VCV004533896.6).